The following is an entry in ClinVar:

NM_000260.4(MYO7A):c.285+14C>G

Gene: MYO7A (myosin VIIA; plus strand). Cytogenetic location: 11q13.5.
Variant type: single nucleotide variant.
Coding change: c.285+14C>G on transcript NM_000260.4 (MANE Select); 14 bases into the intron after coding-DNA position 285, C replaced by G.
Molecular consequence: intron variant.
Genome position (GRCh38, 1-based): chr11:77,147,964, C>G. VCF-style: chr11-77147964-C-G. GRCh37 (hg19) VCF-style: chr11-76859010-C-G.
Other names: c.252+14C>G (NM_001369365.1); c.285+14C>G (NM_001127180.2).
Identifiers: ClinVar variation 227680 (VCV000227680.4), dbSNP rs876657532, ClinGen allele CA10577197.

ClinVar aggregate classification (germline): Likely benign (1 of 4 stars; one submission).

Allele frequency attached by ClinVar (database versions not stated): TOPMed 0.00001; gnomAD 0.00001.
gnomAD v4.1: 3 of 1,531,464 alleles (0.0002%); highest among the groups gnomAD compares: African/African-American, 0.0028%; no homozygotes.

Submission:

Laboratory for Molecular Medicine, Mass General Brigham Personalized Medicine
Classification: Likely benign. Last evaluated: 2015-01-28. Review status: criteria provided, single submitter. Criteria: LMM Criteria. Collection method: clinical testing. Allele origin: germline. Observed: 1 variant allele.
Comment: c.285+14C>G in intron 4 of MYO7A: This variant is not expected to have clinical significance because it is not located within the splice consensus sequence.